The following is an entry in ClinVar:

NM_001166108.2(PALLD):c.2427G>A (p.Met809Ile)

Genes: CBR4 (carbonyl reductase 4; minus strand), PALLD (palladin, cytoskeletal associated protein; plus strand). Cytogenetic location: 4q32.3.
Variant type: single nucleotide variant.
Coding change: c.2427G>A on transcript NM_001166108.2 (MANE Select); coding-DNA position 2427, G replaced by A.
Protein change: p.Met809Ile; replaces methionine 809 with isoleucine.
Molecular consequence: missense variant.
Genome position (GRCh38, 1-based): chr4:168,898,669, G>A. VCF-style: chr4-168898669-G-A. GRCh37 (hg19) VCF-style: chr4-169819820-G-A.
Other names: c.1230G>A, p.Met410Ile (NM_001166109.2); c.915G>A, p.Met305Ile (NM_001166110.2); c.255G>A, p.Met85Ile (NM_001367567.1, NM_001367569.1); c.306G>A, p.Met102Ile (NM_001367568.1, NM_001367570.1); c.2376G>A, p.Met792Ile (NM_016081.4); short protein forms M305I, M85I, M410I, M792I, M102I, M809I.
Identifiers: ClinVar variation 1790362 (VCV001790362.2), dbSNP rs1755797494, ClinGen allele CA358799115.

ClinVar aggregate classification (germline): Uncertain significance (1 of 4 stars; one submission).

Allele frequency attached by ClinVar (database versions not stated): gnomAD exomes below 0.00001; TOPMed below 0.00001.
gnomAD v4.1: 1 of 1,613,918 alleles (0.000062%); highest among the groups gnomAD compares: Non-Finnish European, 0.000085%; no homozygotes.

Submission:

Ambry Genetics
Classification: Uncertain significance. Last evaluated: 2021-11-17. Review status: criteria provided, single submitter. Criteria: Ambry Variant Classification Scheme 2023. Collection method: clinical testing. Allele origin: germline.
Comment: The p.M792I variant (also known as c.2376G>A), located in coding exon 12 of the PALLD gene, results from a G to A substitution at nucleotide position 2376. The methionine at codon 792 is replaced by isoleucine, an amino acid with highly similar properties. This amino acid position is conserved. In addition, the in silico prediction for this alteration is inconclusive. Since supporting evidence is limited at this time, the clinical significance of this alteration remains unclear.